The following is an entry in ClinVar:

ClinVar aggregate classification (germline): Uncertain significance. Review status: criteria provided, multiple submitters, no conflicts (2 of 4 stars). 2 submissions from 2 submitters: Uncertain significance (2). Last evaluated 2025-09-23.

Conditions:
Cardiomyopathy (CMYO). Also called: Cardiomyopathies. Identifiers: Orphanet 167848, MedGen C0878544, MONDO:0004994, HP:0001638. Inheritance: Various modes of inheritance.
Arrhythmogenic right ventricular dysplasia 9 (ARVD9). Also called: Arrhythmogenic Right Ventricular Dysplasia/Cardiomyopathy 9; ARRHYTHMOGENIC RIGHT VENTRICULAR DYSPLASIA, FAMILIAL, 9. Identifiers: MedGen C1836906, MONDO:0012180, OMIM 609040.

Submissions (2):

Labcorp Genetics (formerly Invitae), Labcorp
Classification: Uncertain significance for Arrhythmogenic right ventricular dysplasia 9. Last evaluated: 2025-09-23. Review status: criteria provided, single submitter. Criteria: Invitae Variant Classification Sherloc (09022015). Collection method: clinical testing. Allele origin: germline.
Comment: This sequence change replaces asparagine, which is neutral and polar, with aspartic acid, which is acidic and polar, at codon 392 of the PKP2 protein (p.Asn392Asp). This variant is not present in population databases (gnomAD no frequency). This variant has not been reported in the literature in individuals affected with PKP2-related conditions. An algorithm developed to predict the effect of missense changes on protein structure and function (PolyPhen-2) suggests that this variant is likely to be disruptive. In summary, the available evidence is currently insufficient to determine the role of this variant in disease. Therefore, it has been classified as a Variant of Uncertain Significance.

Color Diagnostics, LLC DBA Color Health
Classification: Uncertain significance for Cardiomyopathy. Last evaluated: 2025-09-01. Review status: criteria provided, single submitter. Criteria: ACMG Guidelines, 2015. Collection method: clinical testing. Allele origin: germline.
Comment: This missense variant replaces asparagine with aspartic acid at codon 392 of the PKP2 protein. Computational prediction suggests that this variant may not impact protein structure and function. To our knowledge, functional studies have not been reported for this variant. This variant has not been reported in individuals affected with PKP2-related disorders in the literature. This variant has not been identified in the general population by the Genome Aggregation Database (gnomAD). The available evidence is insufficient to determine the role of this variant in disease conclusively. Therefore, this variant is classified as a Variant of Uncertain Significance.

NM_001005242.3(PKP2):c.1174A>G (p.Asn392Asp)

Gene: PKP2 (plakophilin 2; minus strand). Cytogenetic location: 12p11.21.
Variant type: single nucleotide variant.
Coding change: c.1174A>G on transcript NM_001005242.3 (MANE Select); coding-DNA position 1174, A replaced by G.
Protein change: p.Asn392Asp; replaces asparagine 392 with aspartic acid.
Molecular consequence: missense variant.
Genome position (GRCh38, 1-based): chr12:32,850,970, T>C on the plus strand (A>G on the coding strand, the complement: PKP2 is on the minus strand). VCF-style: chr12-32850970-T-C. GRCh37 (hg19) VCF-style: chr12-33003904-T-C.
Other names: c.1174A>G, p.Asn392Asp (NM_001407155.1, NM_001407156.1, NM_001407157.1 and 2 more transcripts); c.847A>G, p.Asn283Asp (NM_001407158.1, NM_001407159.1, NM_001407160.1 and 1 more transcripts); short protein forms N283D, N392D.
Identifiers: ClinVar variation 4758446 (VCV004758446.2).